The following is an entry in ClinVar:

ClinVar aggregate classification (germline): Conflicting classifications of pathogenicity. Review status: criteria provided, conflicting classifications (1 of 4 stars). 3 submissions from 3 submitters: Pathogenic (1); Uncertain significance (1). 1 of the submissions does not count toward it. Last evaluated 2025-09-24.

Conditions:
Neonatal intrahepatic cholestasis due to citrin deficiency (CDNI). Also called: Neonatal-onset citrullinemia type II; Neonatal-onset citrullinemia type 2; CITRIN DEFICIENCY, NEONATAL OR INFANTILE ONSET; Neonatal Intrahepatic Cholestasis Caused by Citrin Deficiency (NICCD). Identifiers: Orphanet 247598, MedGen C1853942, MONDO:0011601, OMIM 605814.
Citrullinemia. Identifiers: Orphanet 187, MedGen C0175683, MONDO:0015991.
Citrin deficiency. Identifiers: Orphanet 247582, MedGen C1997910, MONDO:0016602.

Allele frequency attached by ClinVar (database versions not stated): gnomAD exomes below 0.00001.
gnomAD v4.1: 2 of 1,613,928 alleles (0.00012%); no homozygotes.

Submissions (3):

Genesolutions, Medical Genetics Institutes, Ho Chi Minh City, Vietnam
Classification: Uncertain significance for Neonatal intrahepatic cholestasis due to citrin deficiency. Last evaluated: 2025-09-24. Review status: criteria provided, single submitter. Criteria: ACMG Guidelines, 2015. Collection method: clinical testing. Allele origin: germline. Affected: yes.

Labcorp Genetics (formerly Invitae), Labcorp
Classification: Pathogenic for Citrin deficiency. Last evaluated: 2024-11-04. Review status: criteria provided, single submitter. Criteria: Invitae Variant Classification Sherloc (09022015). Collection method: clinical testing. Allele origin: germline.
Comment: This sequence change replaces glycine, which is neutral and non-polar, with arginine, which is basic and polar, at codon 139 of the SLC25A13 protein (p.Gly139Arg). This variant is present in population databases (no rsID available, gnomAD 0.006%). This missense change has been observed in individual(s) with clinical features of citrin deficiency (PMID: 24069319; internal data). In at least one individual the data is consistent with being in trans (on the opposite chromosome) from a pathogenic variant. ClinVar contains an entry for this variant (Variation ID: 933856). Invitae Evidence Modeling of protein sequence and biophysical properties (such as structural, functional, and spatial information, amino acid conservation, physicochemical variation, residue mobility, and thermodynamic stability) indicates that this missense variant is expected to disrupt SLC25A13 protein function with a positive predictive value of 95%. For these reasons, this variant has been classified as Pathogenic.

Natera, Inc.
Classification: Uncertain significance for Citrullinemia. Last evaluated: 2020-12-21. Review status: no assertion criteria provided. Collection method: clinical testing. Allele origin: germline. Not counted in ClinVar's aggregate classification.

Literature cited by the submitters: PubMed 24069319 (cited by Labcorp Genetics (formerly Invitae), Labcorp).

NM_014251.3(SLC25A13):c.415G>A (p.Gly139Arg)

Gene: SLC25A13 (solute carrier family 25 member 13; minus strand). Cytogenetic location: 7q21.3.
Variant type: single nucleotide variant.
Coding change: c.415G>A on transcript NM_014251.3 (MANE Select); coding-DNA position 415, G replaced by A.
Protein change: p.Gly139Arg; replaces glycine 139 with arginine.
Molecular consequence: missense variant. On other transcripts: non-coding transcript variant (1).
Genome position (GRCh38, 1-based): chr7:96,208,891, C>T on the plus strand (G>A on the coding strand, the complement: SLC25A13 is on the minus strand). VCF-style: chr7-96208891-C-T. GRCh37 (hg19) VCF-style: chr7-95838203-C-T.
Other names: c.415G>A, p.Gly139Arg (NM_001160210.2); short protein forms G139R.
Identifiers: ClinVar variation 933856 (VCV000933856.11), dbSNP rs1269555090, ClinGen allele CA368406888.